The following is an entry in ClinVar:

ClinVar aggregate classification (germline): Uncertain significance. Review status: criteria provided, multiple submitters, no conflicts (2 of 4 stars). 3 submissions from 3 submitters: Uncertain significance (3). Last evaluated 2024-11-15.

Conditions:
Kabuki syndrome. Also called: Kabuki make-up syndrome; NIIKAWA-KUROKI SYNDROME. Identifiers: Orphanet 2322, MedGen C0796004, MONDO:0016512.
KMT2D-related disorder. Also called: KMT2D-Related Disorders.
Inborn genetic diseases. Identifiers: MedGen C0950123, MeSH D030342.

Allele frequency attached by ClinVar (database versions not stated): gnomAD exomes below 0.00001.
gnomAD v4.1: 4 of 1,540,412 alleles (0.00026%); highest among the groups gnomAD compares: Non-Finnish European, 0.00035%; no homozygotes.

Submissions (3):

PreventionGenetics, part of Exact Sciences
Classification: Uncertain significance for KMT2D-related condition. Last evaluated: 2024-11-15. Review status: criteria provided, single submitter. Criteria: ACMG Guidelines, 2015. Collection method: clinical testing. Allele origin: germline.
Comment: The KMT2D c.6442G>A variant is predicted to result in the amino acid substitution p.Gly2148Ser. To our knowledge, this variant has not been reported in the literature. This variant is reported in 0.0% of alleles in individuals of African descent in gnomAD. At this time, the clinical significance of this variant is uncertain due to the absence of conclusive functional and genetic evidence.

Labcorp Genetics (formerly Invitae), Labcorp
Classification: Uncertain significance for Kabuki syndrome. Last evaluated: 2024-02-02. Review status: criteria provided, single submitter. Criteria: Invitae Variant Classification Sherloc (09022015). Collection method: clinical testing. Allele origin: germline.
Comment: This sequence change replaces glycine, which is neutral and non-polar, with serine, which is neutral and polar, at codon 2148 of the KMT2D protein (p.Gly2148Ser). This variant is not present in population databases (gnomAD no frequency). This variant has not been reported in the literature in individuals affected with KMT2D-related conditions. ClinVar contains an entry for this variant (Variation ID: 1005428). Advanced modeling of protein sequence and biophysical properties (such as structural, functional, and spatial information, amino acid conservation, physicochemical variation, residue mobility, and thermodynamic stability) performed at Invitae indicates that this missense variant is not expected to disrupt KMT2D protein function with a negative predictive value of 95%. In summary, the available evidence is currently insufficient to determine the role of this variant in disease. Therefore, it has been classified as a Variant of Uncertain Significance.

Ambry Genetics
Classification: Uncertain significance for Inborn genetic diseases. Last evaluated: 2020-11-04. Review status: criteria provided, single submitter. Criteria: Ambry Variant Classification Scheme 2023. Collection method: clinical testing. Allele origin: germline.
Comment: The c.6442G>A (p.G2148S) alteration is located in coding exon 31 of the KMT2D gene. This alteration results from a G to A substitution at nucleotide position 6442, causing the glycine (G) at amino acid position 2148 to be replaced by a serine (S). This amino acid position is not well conserved in available vertebrate species. The p.G2148S alteration is predicted to be tolerated by in silico analysis. Based on insufficient or conflicting evidence, the clinical significance of this alteration remains unclear.

NM_003482.4(KMT2D):c.6442G>A (p.Gly2148Ser)

Gene: KMT2D (lysine methyltransferase 2D; minus strand). Cytogenetic location: 12q13.12.
Variant type: single nucleotide variant.
Coding change: c.6442G>A on transcript NM_003482.4 (MANE Select); coding-DNA position 6442, G replaced by A.
Protein change: p.Gly2148Ser; replaces glycine 2148 with serine.
Molecular consequence: missense variant.
Genome position (GRCh38, 1-based): chr12:49,041,328, C>T on the plus strand (G>A on the coding strand, the complement: KMT2D is on the minus strand). VCF-style: chr12-49041328-C-T. GRCh37 (hg19) VCF-style: chr12-49435111-C-T.
Other names: c.6442G>A (NM_003482.3); short protein forms G2148S.
Identifiers: ClinVar variation 1005428 (VCV001005428.10), dbSNP rs1327384852, ClinGen allele CA384750847.
Genomic context (GRCh38, chr12:49,041,328, plus strand): 5'-GCACCTGGGGTGGGAGCTTGAGGAAGAGCTCACCAGGCGAGTCAGGGCCAGGCACCGAGC[C>T]CGCCGGCGGCTTCAGGAACCCGTCCGCAGAGGTAGACAAGCCGGCGGGGGTAGTGGGGCT-3'
Protein context (NP_003473.3, residues 2138-2158): SADGFLKPPA[Gly2148Ser]SVPGPDSPGE